The following is an entry in ClinVar:

NM_177924.5(ASAH1):c.1042-199del

Gene: ASAH1 (N-acylsphingosine amidohydrolase 1; minus strand). Cytogenetic location: 8p22.
Variant type: Deletion.
Coding change: c.1042-199del on transcript NM_177924.5 (MANE Select); 199 bases into the intron before coding-DNA position 1042, one base deleted (A; older notation c.1042-199delA).
Molecular consequence: intron variant.
Genome position (GRCh38, 1-based): chr8:18,059,090, T deleted on the plus strand (A on the coding strand, the reverse complement: ASAH1 is on the minus strand); the first of 6 consecutive T bases (chr8:18,059,090-18,059,095); deleting any one gives the same sequence. VCF-style (leftmost placement, unchanged base first): chr8-18059089-CT-C. GRCh37 (hg19) VCF-style: chr8-17916598-CT-C.
Other names: c.1090-199del (NM_004315.6); c.1024-199del (NM_001127505.3); c.847-199del (NM_001363743.2).
Identifiers: ClinVar variation 678047 (VCV000678047.1), dbSNP rs33985304, ClinGen allele CA173139775.

ClinVar aggregate classification (germline): Benign (1 of 4 stars; one submission).

Submission:

GeneDx
Classification: Benign. Last evaluated: 2018-06-19. Review status: criteria provided, single submitter. Criteria: GeneDx Variant Classification (06012015). Collection method: clinical testing. Allele origin: germline. Affected: yes.
Comment: This variant is considered likely benign or benign based on one or more of the following criteria: it is a conservative change, it occurs at a poorly conserved position in the protein, it is predicted to be benign by multiple in silico algorithms, and/or has population frequency not consistent with disease.